The following is an entry in ClinVar:

ClinVar aggregate classification (germline): Pathogenic/Likely pathogenic. Review status: criteria provided, multiple submitters, no conflicts (2 of 4 stars). 2 submissions from 2 submitters: Pathogenic (1); Likely pathogenic (1). Last evaluated 2026-05-27.

Conditions:
Propionic acidemia (PROP). Also called: GLYCINEMIA, KETOTIC; HYPERGLYCINEMIA WITH KETOACIDOSIS AND LEUKOPENIA; KETOTIC HYPERGLYCINEMIA. Identifiers: Orphanet 35, MedGen C0268579, MONDO:0011628, OMIM 606054, HP:0003571.

Submissions (2):

Myriad Genetics, Inc.
Classification: Likely pathogenic for Propionic acidemia. Last evaluated: 2026-05-27. Review status: criteria provided, single submitter. Criteria: Myriad Autosomal Dominant, Autosomal Recessive and X-Linked Classification Criteria (2023). Collection method: clinical testing. Allele origin: unknown.
Comment: NM_000532.4(PCCB):c.1199-1G>C is a variant in a canonical splice site classified as likely pathogenic in the context of PCCB-related propionic acidemia. c.1199-1G>C has not been observed in cases with relevant disease. Relevant functional assessments of this variant are not available in the literature. c.1199-1G>C has not been observed in referenced population frequency databases. In summary, NM_000532.4(PCCB):c.1199-1G>C is a variant in a canonical splice site in a gene where loss of function is a known mechanism of disease and is predicted to disrupt protein function. Please note: this variant was assessed in the context of healthy population screening.

Labcorp Genetics (formerly Invitae), Labcorp
Classification: Pathogenic for Propionic acidemia. Last evaluated: 2022-09-13. Review status: criteria provided, single submitter. Criteria: Invitae Variant Classification Sherloc (09022015). Collection method: clinical testing. Allele origin: germline.
Comment: This sequence change affects an acceptor splice site in intron 11 of the PCCB gene. It is expected to disrupt RNA splicing. Variants that disrupt the donor or acceptor splice site typically lead to a loss of protein function (PMID: 16199547), and loss-of-function variants in PCCB are known to be pathogenic (PMID: 15464417). This variant is not present in population databases (gnomAD no frequency). Disruption of this splice site has been observed in individual(s) with propionic acidemia (PMID: 22033733). Studies have shown that disruption of this splice site alters PCCB gene expression (PMID: 12559849). Studies have shown that disruption of this splice site is associated with altered splicing resulting in multiple RNA products (PMID: 12559849). For these reasons, this variant has been classified as Pathogenic.

Literature cited by the submitters: PubMed 16199547 (cited by Labcorp Genetics (formerly Invitae), Labcorp); PubMed 15464417 (cited by Labcorp Genetics (formerly Invitae), Labcorp); PubMed 22033733 (cited by Labcorp Genetics (formerly Invitae), Labcorp); PubMed 12559849 (cited by Labcorp Genetics (formerly Invitae), Labcorp).

NM_000532.5(PCCB):c.1199-1G>C

Gene: PCCB (propionyl-CoA carboxylase subunit beta; plus strand). Cytogenetic location: 3q22.3.
Variant type: single nucleotide variant.
Coding change: c.1199-1G>C on transcript NM_000532.5 (MANE Select); the canonical splice acceptor site of the intron before coding-DNA position 1199, G replaced by C.
Molecular consequence: splice acceptor variant.
Genome position (GRCh38, 1-based): chr3:136,327,154, G>C. VCF-style: chr3-136327154-G-C. GRCh37 (hg19) VCF-style: chr3-136045996-G-C.
Other names: c.1259-1G>C (NM_001178014.2).
Identifiers: ClinVar variation 2152783 (VCV002152783.2), dbSNP rs2529971938, ClinGen allele CA354648966.